The following is an entry in ClinVar:

NM_001282531.3(ADNP):c.108+7A>G

Gene: ADNP (activity dependent neuroprotector homeobox; minus strand). Cytogenetic location: 20q13.13.
Variant type: single nucleotide variant.
Coding change: c.108+7A>G on transcript NM_001282531.3 (MANE Select); 7 bases into the intron after coding-DNA position 108, A replaced by G.
Molecular consequence: intron variant.
Genome position (GRCh38, 1-based): chr20:50,903,882, T>C on the plus strand (A>G on the coding strand, the complement: ADNP is on the minus strand). VCF-style: chr20-50903882-T-C. GRCh37 (hg19) VCF-style: chr20-49520419-T-C.
Other names: c.108+7A>G (NM_181442.4, NM_001347511.2, NM_015339.5 and 1 more transcripts).
Identifiers: ClinVar variation 2032950 (VCV002032950.4), dbSNP rs2515621159, ClinGen allele CA2577426953.
Genomic context (GRCh38, chr20:50,903,882, plus strand): 5'-CCACTGACACAAAGTAATGGATCAGAAGCTGAGTCATGTTAAAATTTAAAAATGACATGC[T>C]ACTTACTTCTATATGTTCTTTACAGTATTCCAACCCAATGTCACTAAGTATTTTTTTCAC-3'

ClinVar aggregate classification (germline): Uncertain significance (1 of 4 stars; one submission).

Allele frequency attached by ClinVar (database versions not stated): gnomAD exomes below 0.00001.
gnomAD v4.1: 1 of 1,593,982 alleles (0.000063%); highest among the groups gnomAD compares: Non-Finnish European, 0.000086%; no homozygotes.

Submission:

Labcorp Genetics (formerly Invitae), Labcorp
Classification: Uncertain significance. Last evaluated: 2022-09-27. Review status: criteria provided, single submitter. Criteria: Invitae Variant Classification Sherloc (09022015). Collection method: clinical testing. Allele origin: germline.
Comment: In summary, the available evidence is currently insufficient to determine the role of this variant in disease. Therefore, it has been classified as a Variant of Uncertain Significance. This variant has not been reported in the literature in individuals affected with ADNP-related conditions. This variant is not present in population databases (gnomAD no frequency). This sequence change falls in intron 3 of the ADNP gene. It does not directly change the encoded amino acid sequence of the ADNP protein.